The following is an entry in ClinVar:

NM_000038.6(APC):c.2645C>T (p.Thr882Ile)

Gene: APC (APC regulator of Wnt signaling pathway; plus strand). Cytogenetic location: 5q22.2.
Variant type: single nucleotide variant.
Coding change: c.2645C>T on transcript NM_000038.6 (MANE Select); coding-DNA position 2645, C replaced by T.
Protein change: p.Thr882Ile; replaces threonine 882 with isoleucine.
Molecular consequence: missense variant.
Genome position (GRCh38, 1-based): chr5:112,838,239, C>T. VCF-style: chr5-112838239-C-T. GRCh37 (hg19) VCF-style: chr5-112173936-C-T.
Other names: c.2645C>T, p.Thr882Ile (NM_001127510.3, NM_001354895.2); c.2591C>T, p.Thr864Ile (NM_001127511.3); c.2699C>T, p.Thr900Ile (NM_001354896.2); c.2675C>T, p.Thr892Ile (NM_001354897.2); c.2570C>T, p.Thr857Ile (NM_001354898.2); c.2561C>T, p.Thr854Ile (NM_001354899.2); c.2522C>T, p.Thr841Ile (NM_001354900.2); c.2468C>T, p.Thr823Ile (NM_001354901.2); and 5 more; short protein forms T864I, T882I, T599I, T841I, T892I, T756I, T854I, T857I.
Identifiers: ClinVar variation 186817 (VCV000186817.24), dbSNP rs786203243, ClinGen allele CA007703.

ClinVar aggregate classification (germline): Conflicting classifications of pathogenicity. Review status: criteria provided, conflicting classifications (1 of 4 stars). 6 submissions from 6 submitters: Uncertain significance (5); Likely benign (1). Last evaluated 2026-05-04.

Conditions:
Classic or attenuated familial adenomatous polyposis. Identifiers: MedGen CN372698, MONDO:0021057.
Hereditary cancer-predisposing syndrome. Also called: Tumor predisposition; Hereditary Cancer Syndrome; Hereditary neoplastic syndrome; Neoplastic Syndromes, Hereditary. Identifiers: Orphanet 140162, MedGen C0027672, MeSH D009386, MONDO:0015356.
Familial adenomatous polyposis 1 (FAP1). Also called: POLYPOSIS, ADENOMATOUS INTESTINAL; FAMILIAL ADENOMATOUS POLYPOSIS 1, ATTENUATED. Identifiers: MedGen C2713442, MONDO:0021056, OMIM 175100. Disease mechanism: loss of function.

Allele frequency attached by ClinVar (database versions not stated): gnomAD 0.00001; gnomAD exomes 0.00001; TOPMed below 0.00001.

Submissions (6):

Ambry Genetics
Classification: Likely benign for Hereditary cancer-predisposing syndrome. Last evaluated: 2026-05-04. Review status: criteria provided, single submitter. Criteria: Ambry Variant Classification Scheme 2023. Collection method: clinical testing. Allele origin: germline.

Labcorp Genetics (formerly Invitae), Labcorp
Classification: Uncertain significance for Familial adenomatous polyposis 1. Last evaluated: 2025-11-26. Review status: criteria provided, single submitter. Criteria: Invitae Variant Classification Sherloc (09022015). Collection method: clinical testing. Allele origin: germline.
Comment: This sequence change replaces threonine, which is neutral and polar, with isoleucine, which is neutral and non-polar, at codon 882 of the APC protein (p.Thr882Ile). This variant is not present in population databases (gnomAD no frequency). This variant has not been reported in the literature in individuals affected with APC-related conditions. ClinVar contains an entry for this variant (Variation ID: 186817). Invitae Evidence Modeling of protein sequence and biophysical properties (such as structural, functional, and spatial information, amino acid conservation, physicochemical variation, residue mobility, and thermodynamic stability) indicates that this missense variant is not expected to disrupt APC protein function with a negative predictive value of 95%. In summary, the available evidence is currently insufficient to determine the role of this variant in disease. Therefore, it has been classified as a Variant of Uncertain Significance.

Baylor Genetics
Classification: Uncertain significance for Familial adenomatous polyposis 1. Last evaluated: 2023-10-06. Review status: criteria provided, single submitter. Criteria: ACMG Guidelines, 2015. Collection method: clinical testing. Allele origin: unknown.

All of Us Research Program, National Institutes of Health
Classification: Uncertain significance for Classic or attenuated familial adenomatous polyposis. Last evaluated: 2023-02-24. Review status: criteria provided, single submitter. Criteria: ACMG Guidelines, 2015. Collection method: clinical testing. Allele origin: germline. Inheritance: Autosomal dominant inheritance. Observed: 1 variant allele, 1 heterozygote.
Comment: This missense variant replaces threonine with isoleucine at codon 882 of the APC protein. Computational prediction suggests that this variant may not impact protein structure and function (internally defined REVEL score threshold <= 0.5, PMID: 27666373). To our knowledge, functional studies have not been reported for this variant. This variant has not been reported in individuals affected with APC-related disorders in the literature. This variant has not been identified in the general population by the Genome Aggregation Database (gnomAD). The available evidence is insufficient to determine the role of this variant in disease conclusively. Therefore, this variant is classified as a Variant of Uncertain Significance.

This study involves interpretation of variants in research participants for the purpose of population health screening. Participant phenotype was not available at the time of variant classification. Additional details can be found in publication PMID: 35346344, PMCID: PMC8962531

Color Diagnostics, LLC DBA Color Health
Classification: Uncertain significance for Hereditary cancer-predisposing syndrome. Last evaluated: 2022-12-15. Review status: criteria provided, single submitter. Criteria: ACMG Guidelines, 2015. Collection method: clinical testing. Allele origin: germline.
Comment: This missense variant replaces threonine with isoleucine at codon 882 of the APC protein. Computational prediction suggests that this variant may not impact protein structure and function (internally defined REVEL score threshold <= 0.5, PMID: 27666373). To our knowledge, functional studies have not been reported for this variant. This variant has not been reported in individuals affected with APC-related disorders in the literature. This variant has not been identified in the general population by the Genome Aggregation Database (gnomAD). The available evidence is insufficient to determine the role of this variant in disease conclusively. Therefore, this variant is classified as a Variant of Uncertain Significance.

GeneDx
Classification: Uncertain significance. Last evaluated: 2022-04-05. Review status: criteria provided, single submitter. Criteria: GeneDx Variant Classification Process June 2021. Collection method: clinical testing. Allele origin: germline. Affected: yes.
Comment: Not observed at significant frequency in large population cohorts (gnomAD); In silico analysis supports that this missense variant does not alter protein structure/function; Has not been previously published as pathogenic or benign to our knowledge